The following is an entry in ClinVar:

NM_015506.3(MMACHC):c.126_141del (p.Leu43fs)

Gene: MMACHC (metabolism of cobalamin associated C; plus strand). Cytogenetic location: 1p34.1.
Variant type: Deletion.
Coding change: c.126_141del on transcript NM_015506.3 (MANE Select); coding-DNA positions 126 to 141, 16 bases deleted (GCTGCCAGGACCTACC).
Protein change: p.Leu43fs; shifts the reading frame from leucine 43.
Molecular consequence: frameshift variant. On other transcripts: 5 prime UTR variant (1).
Genome position (GRCh38, 1-based): chr1:45,507,400-45,507,415, GCTGCCAGGACCTACC deleted; deleting any 16 consecutive bases within chr1:45,507,393-45,507,415 gives the same sequence; the c. name uses the placement nearest the transcript's 3' end. VCF-style (leftmost placement, unchanged base first): chr1-45507392-CACCTACCGCTGCCAGG-C. GRCh37 (hg19) VCF-style: chr1-45973064-CACCTACCGCTGCCAGG-C.
Other names: c.-46_-31del (NM_001330540.2); short protein forms L43fs.
Identifiers: ClinVar variation 2733897 (VCV002733897.4), dbSNP rs2522819978, ClinGen allele CA2586966630.

ClinVar aggregate classification (germline): Pathogenic. Review status: criteria provided, multiple submitters, no conflicts (2 of 4 stars). 2 submissions from 2 submitters: Pathogenic (2). Last evaluated 2025-11-06.

Conditions:
Cobalamin C disease. Also called: Methylmalonic aciduria with homocystinuria cblC type; Cobalamin-C methylmalonic acidemia and homocystinuria; Methylmalonic acidemia and homocystinuria cblC type; Methylmalonic aciduria and homocystinuria, Vitamin B12-responsive; Vitamin B12 metabolic defect with combined deficiency of methylmalonyl-CoA mutase and homocysteine:methyltetrahydrofolate methyltransferase; methylmalonic aciduria and homocystinuria type cblC. Identifiers: Orphanet 26, Orphanet 79282, MedGen C1848561, MONDO:0010184, OMIM 277400.

Submissions (2):

Myriad Genetics, Inc.
Classification: Pathogenic for Cobalamin C disease. Last evaluated: 2025-11-06. Review status: criteria provided, single submitter. Criteria: Myriad Autosomal Dominant, Autosomal Recessive and X-Linked Classification Criteria (2023). Collection method: clinical testing. Allele origin: unknown.
Comment: NM_015506.2(MMACHC):c.126_141del16(L43Wfs*28) is a frameshift variant classified as pathogenic in the context of methylmalonic aciduria and homocystinuria, cblC type. L43Wfs*28 has been observed in a case with relevant disease (PMID: 19370762). Relevant functional assessments of this variant are not available in the literature. L43Wfs*28 has not been observed in referenced population frequency databases. In summary, NM_015506.2(MMACHC):c.126_141del16(L43Wfs*28) is a frameshift variant in a gene where loss of function is a known mechanism of disease, is predicted to disrupt protein function, and has been observed more frequently in cases with the relevant disease than in healthy populations. Please note: this variant was assessed in the context of healthy population screening.

Labcorp Genetics (formerly Invitae), Labcorp
Classification: Pathogenic for Cobalamin C disease. Last evaluated: 2023-01-18. Review status: criteria provided, single submitter. Criteria: Invitae Variant Classification Sherloc (09022015). Collection method: clinical testing. Allele origin: germline.
Comment: This sequence change creates a premature translational stop signal (p.Leu43Trpfs*28) in the MMACHC gene. It is expected to result in an absent or disrupted protein product. Loss-of-function variants in MMACHC are known to be pathogenic (PMID: 16311595). For these reasons, this variant has been classified as Pathogenic. This premature translational stop signal has been observed in individual(s) with clinical features of MMACHC-related conditions (PMID: 19370762). This variant is not present in population databases (gnomAD no frequency).

Literature cited by the submitters: PubMed 19370762 (cited by Myriad Genetics, Inc. and Labcorp Genetics (formerly Invitae), Labcorp); PubMed 16311595 (cited by Labcorp Genetics (formerly Invitae), Labcorp).